The following is an entry in ClinVar:

NM_000079.4(CHRNA1):c.344+6C>A

Gene: CHRNA1 (cholinergic receptor nicotinic alpha 1 subunit; minus strand). Cytogenetic location: 2q31.1.
Variant type: single nucleotide variant.
Coding change: c.344+6C>A on transcript NM_000079.4 (MANE Select); 6 bases into the intron after coding-DNA position 344, C replaced by A.
Molecular consequence: intron variant.
Genome position (GRCh38, 1-based): chr2:174,757,560, G>T on the plus strand (C>A on the coding strand, the complement: CHRNA1 is on the minus strand). VCF-style: chr2-174757560-G-T. GRCh37 (hg19) VCF-style: chr2-175622288-G-T.
Other names: c.419+6C>A (NM_001039523.3).
Identifiers: ClinVar variation 1400517 (VCV001400517.6), dbSNP rs1438960872, ClinGen allele CA537765291.
Genomic context (GRCh38, chr2:174,757,560, plus strand): 5'-TTCTATTAGGGCACTTTATTCCACCTGCCCCAGGAGCACCCTCCGCCACCCATGCAGTTT[G>T]CTCACTTGTTATAGAGAACAAGGTCTGGGCGCCAGATCTTTTCTGAAGGAATGTGAATTT-3'

ClinVar aggregate classification (germline): Uncertain significance (1 of 4 stars; one submission).

Conditions:
Lethal multiple pterygium syndrome (LMPS). Identifiers: Orphanet 33108, MedGen C1854678, MONDO:0009668, OMIM 253290.

Allele frequency attached by ClinVar (database versions not stated): gnomAD 0.00001.
gnomAD v4.1: 2 of 1,609,478 alleles (0.00012%); highest among the groups gnomAD compares: African/African-American, 0.0013%; no homozygotes.

Submission:

Labcorp Genetics (formerly Invitae), Labcorp
Classification: Uncertain significance for Lethal multiple pterygium syndrome. Last evaluated: 2020-12-22. Review status: criteria provided, single submitter. Criteria: Invitae Variant Classification Sherloc (09022015). Collection method: clinical testing. Allele origin: germline.
Comment: In summary, the available evidence is currently insufficient to determine the role of this variant in disease. Therefore, it has been classified as a Variant of Uncertain Significance. Nucleotide substitutions within the consensus splice site are a relatively common cause of aberrant splicing (PMID: 17576681, 9536098). Algorithms developed to predict the effect of sequence changes on RNA splicing suggest that this variant may disrupt the consensus splice site, but this prediction has not been confirmed by published transcriptional studies. This variant has not been reported in the literature in individuals with CHRNA1-related conditions. This variant is not present in population databases (ExAC no frequency). This sequence change falls in intron 4 of the CHRNA1 gene. It does not directly change the encoded amino acid sequence of the CHRNA1 protein. It affects a nucleotide within the consensus splice site of the intron.

Literature cited by the submitters: PubMed 17576681; PubMed 9536098.